The following is an entry in ClinVar:

NM_006206.6(PDGFRA):c.2907C>G (p.Phe969Leu)

Gene: PDGFRA (platelet derived growth factor receptor alpha; plus strand). Cytogenetic location: 4q12.
Variant type: single nucleotide variant.
Coding change: c.2907C>G on transcript NM_006206.6 (MANE Select); coding-DNA position 2907, C replaced by G.
Protein change: p.Phe969Leu; replaces phenylalanine 969 with leucine.
Molecular consequence: missense variant.
Genome position (GRCh38, 1-based): chr4:54,290,339, C>G. VCF-style: chr4-54290339-C-G. GRCh37 (hg19) VCF-style: chr4-55156506-C-G.
Other names: c.2982C>G, p.Phe994Leu (NM_001347828.2); c.2907C>G, p.Phe969Leu (NM_001347829.2); c.2946C>G, p.Phe982Leu (NM_001347830.2); short protein forms F982L, F994L, F969L.
Identifiers: ClinVar variation 2151592 (VCV002151592.4), dbSNP rs267600189, ClinGen allele CA356895965.

ClinVar aggregate classification (germline): Uncertain significance (1 of 4 stars; one submission).

Conditions:
Gastrointestinal stromal tumor. Also called: Gastrointestinal stroma tumor; Gastrointestinal stromal tumor, somatic. Identifiers: Orphanet 44890, MedGen C0238198, MeSH D046152, MONDO:0011719, OMIM 606764, HP:0100723.

Submission:

Labcorp Genetics (formerly Invitae), Labcorp
Classification: Uncertain significance for Gastrointestinal stromal tumor. Last evaluated: 2022-01-23. Review status: criteria provided, single submitter. Criteria: Invitae Variant Classification Sherloc (09022015). Collection method: clinical testing. Allele origin: germline.
Comment: In summary, the available evidence is currently insufficient to determine the role of this variant in disease. Therefore, it has been classified as a Variant of Uncertain Significance. Algorithms developed to predict the effect of missense changes on protein structure and function are either unavailable or do not agree on the potential impact of this missense change (SIFT: "Deleterious"; PolyPhen-2: "Probably Damaging"; Align-GVGD: "Class C0"). This variant has not been reported in the literature in individuals affected with PDGFRA-related conditions. This variant is not present in population databases (gnomAD no frequency). This sequence change replaces phenylalanine, which is neutral and non-polar, with leucine, which is neutral and non-polar, at codon 969 of the PDGFRA protein (p.Phe969Leu).